The following is an entry in ClinVar:

NM_004484.4(GPC3):c.380A>T (p.Asn127Ile)

Gene: GPC3 (glypican 3; minus strand). Cytogenetic location: Xq26.2.
Variant type: single nucleotide variant.
Coding change: c.380A>T on transcript NM_004484.4 (MANE Select); coding-DNA position 380, A replaced by T.
Protein change: p.Asn127Ile; replaces asparagine 127 with isoleucine.
Molecular consequence: missense variant.
Genome position (GRCh38, 1-based): chrX:133,754,134, T>A on the plus strand (A>T on the coding strand, the complement: GPC3 is on the minus strand). VCF-style: chrX-133754134-T-A. GRCh37 (hg19) VCF-style: chrX-132888161-T-A.
Other names: c.380A>T, p.Asn127Ile (NM_001164617.2); c.332A>T, p.Asn111Ile (NM_001164618.2); c.218A>T, p.Asn73Ile (NM_001164619.2); short protein forms N111I, N127I, N73I.
Identifiers: ClinVar variation 1054768 (VCV001054768.9), dbSNP rs2124480910, ClinGen allele CA414706768.

ClinVar aggregate classification (germline): Uncertain significance (1 of 4 stars; one submission).

Conditions:
Wilms tumor 1 (WT1). Also called: Wilms tumor, somatic. Identifiers: Orphanet 654, MedGen CN033288, MONDO:0008679, OMIM 194070.

Submission:

Labcorp Genetics (formerly Invitae), Labcorp
Classification: Uncertain significance for Wilms tumor 1. Last evaluated: 2020-06-29. Review status: criteria provided, single submitter. Criteria: Invitae Variant Classification Sherloc (09022015). Collection method: clinical testing. Allele origin: germline.
Comment: In summary, the available evidence is currently insufficient to determine the role of this variant in disease. Therefore, it has been classified as a Variant of Uncertain Significance. Algorithms developed to predict the effect of missense changes on protein structure and function are either unavailable or do not agree on the potential impact of this missense change (SIFT: "Tolerated"; PolyPhen-2: "Probably Damaging"; Align-GVGD: "Class C0"). This variant has not been reported in the literature in individuals with GPC3-related conditions. This variant is not present in population databases (ExAC no frequency). This sequence change replaces asparagine with isoleucine at codon 127 of the GPC3 protein (p.Asn127Ile). The asparagine residue is moderately conserved and there is a large physicochemical difference between asparagine and isoleucine.